The following is an entry in ClinVar:

NM_015599.3(PGM3):c.-2-59G>A

Gene: PGM3 (phosphoglucomutase 3; minus strand). Cytogenetic location: 6q14.1.
Variant type: single nucleotide variant.
Coding change: c.-2-59G>A on transcript NM_015599.3 (MANE Select); 59 bases into the intron before 2 bases upstream of the start codon, G replaced by A.
Molecular consequence: intron variant.
Genome position (GRCh38, 1-based): chr6:83,191,073, C>T on the plus strand (G>A on the coding strand, the complement: PGM3 is on the minus strand). VCF-style: chr6-83191073-C-T. GRCh37 (hg19) VCF-style: chr6-83900792-C-T.
Other names: c.83-59G>A (NM_001199917.2, NM_001367287.1); c.-40+2106G>A (NM_001199918.2); c.-2-59G>A (NM_001367286.1, NM_001199919.2).
Identifiers: ClinVar variation 1683861 (VCV001683861.2), dbSNP rs115039399, ClinGen allele CA141911993.

ClinVar aggregate classification (germline): Likely benign (1 of 4 stars; one submission).

Allele frequency attached by ClinVar (database versions not stated): gnomAD exomes 0.00112; 1000 Genomes Project 0.01098; gnomAD 0.01158 and 0.01261; 1000 Genomes Project 30x 0.01249; TOPMed 0.01322.
gnomAD v4.1: 3,389 of 1,537,972 alleles (0.22%); highest among the groups gnomAD compares: African/African-American, 4.1%; 73 homozygotes.

Submission:

GeneDx
Classification: Likely benign. Last evaluated: 2021-05-26. Review status: criteria provided, single submitter. Criteria: GeneDx Variant Classification Process June 2021. Collection method: clinical testing. Allele origin: germline. Affected: yes.
Comment: See Variant Classification Assertion Criteria.